The following is an entry in ClinVar:

NM_004612.4(TGFBR1):c.656T>G (p.Val219Gly)

Gene: TGFBR1 (transforming growth factor beta receptor 1; plus strand). Cytogenetic location: 9q22.33.
Variant type: single nucleotide variant.
Coding change: c.656T>G on transcript NM_004612.4 (MANE Select); coding-DNA position 656, T replaced by G.
Protein change: p.Val219Gly; replaces valine 219 with glycine.
Molecular consequence: missense variant.
Genome position (GRCh38, 1-based): chr9:99,137,940, T>G. VCF-style: chr9-99137940-T-G. GRCh37 (hg19) VCF-style: chr9-101900222-T-G.
Other names: c.449T>G, p.Val150Gly (NM_001407424.1, NM_001407425.1, NM_001407426.1 and 8 more transcripts); c.425T>G, p.Val142Gly (NM_001130916.3); c.668T>G, p.Val223Gly (NM_001306210.2, NM_001407416.1); c.656T>G, p.Val219Gly (NM_001407417.1); c.461T>G, p.Val154Gly (NM_001407418.1, NM_001407419.1, NM_001407420.1 and 1 more transcripts); c.410T>G, p.Val137Gly (NM_001407436.1); c.179T>G, p.Val60Gly (NM_001407438.1); short protein forms V142G, V150G, V60G, V154G, V137G, V219G, V223G.
Identifiers: ClinVar variation 1754241 (VCV001754241.3), dbSNP rs2118712606, ClinGen allele CA374229584.

ClinVar aggregate classification (germline): Uncertain significance. Review status: criteria provided, multiple submitters, no conflicts (2 of 4 stars). 2 submissions from 2 submitters: Uncertain significance (2). Last evaluated 2024-03-13.

Conditions:
Familial thoracic aortic aneurysm and aortic dissection (TAAD). Also called: Thoracic aortic aneurysms and dissections. Identifiers: Orphanet 91387, MedGen C4707243, MONDO:0019625.

Submissions (2):

GeneDx
Classification: Uncertain significance. Last evaluated: 2024-03-13. Review status: criteria provided, single submitter. Criteria: GeneDx Variant Classification Process June 2021. Collection method: clinical testing. Allele origin: germline. Affected: yes.
Comment: Not observed at significant frequency in large population cohorts (gnomAD); In silico analysis supports that this missense variant has a deleterious effect on protein structure/function; Has not been previously published as pathogenic or benign to our knowledge

Ambry Genetics
Classification: Uncertain significance for Familial thoracic aortic aneurysm and aortic dissection. Last evaluated: 2021-09-24. Review status: criteria provided, single submitter. Criteria: Ambry Variant Classification Scheme 2023. Collection method: clinical testing. Allele origin: germline.